The following is an entry in ClinVar:

NM_001205254.2(OCLN):c.473C>T (p.Thr158Ile)

Gene: OCLN (occludin; plus strand). Cytogenetic location: 5q13.2.
Variant type: single nucleotide variant.
Coding change: c.473C>T on transcript NM_001205254.2 (MANE Select); coding-DNA position 473, C replaced by T.
Protein change: p.Thr158Ile; replaces threonine 158 with isoleucine.
Molecular consequence: missense variant. On other transcripts: intron variant (1).
Genome position (GRCh38, 1-based): chr5:69,509,563, C>T. VCF-style: chr5-69509563-C-T. GRCh37 (hg19) VCF-style: chr5-68805390-C-T.
Other names: c.473C>T, p.Thr158Ile (NM_001410743.1, NM_001438048.1, NM_001438604.1 and 1 more transcripts); c.-24-4385C>T (NM_001205255.2); short protein forms T158I.
Identifiers: ClinVar variation 1179623 (VCV001179623.5), dbSNP rs756715369, ClinGen allele CA3294451.

ClinVar aggregate classification (germline): Uncertain significance. Review status: criteria provided, multiple submitters, no conflicts (2 of 4 stars). 2 submissions from 2 submitters: Uncertain significance (2). Last evaluated 2021-05-13.

Conditions:
Inborn genetic diseases. Identifiers: MedGen C0950123, MeSH D030342.

Allele frequency attached by ClinVar (database versions not stated): gnomAD exomes 0.00008 and 0.00009; ExAC 0.00009; gnomAD 0.00009 and 0.00010; TOPMed 0.00020.

Submissions (2):

Ambry Genetics
Classification: Uncertain significance for Inborn genetic diseases. Last evaluated: 2021-05-13. Review status: criteria provided, single submitter. Criteria: Ambry Variant Classification Scheme 2023. Collection method: clinical testing. Allele origin: germline.
Comment: The c.473C>T (p.T158I) alteration is located in exon 3 (coding exon 2) of the OCLN gene. This alteration results from a C to T substitution at nucleotide position 473, causing the threonine (T) at amino acid position 158 to be replaced by an isoleucine (I). The p.T158I alteration is predicted to be tolerated by in silico analysis. Based on insufficient or conflicting evidence, the clinical significance of this alteration remains unclear.

GeneDx
Classification: Uncertain significance. Last evaluated: 2019-06-17. Review status: criteria provided, single submitter. Criteria: GeneDx Variant Classification Process June 2021. Collection method: clinical testing. Allele origin: germline. Affected: yes.
Comment: In silico analysis, which includes protein predictors and evolutionary conservation, supports that this variant does not alter protein structure/function; Has not been previously published as pathogenic or benign to our knowledge